The following is an entry in ClinVar:

NM_001374385.1(ATP8B1):c.922G>A (p.Gly308Ser)

Gene: ATP8B1 (ATPase phospholipid transporting 8B1; minus strand). Cytogenetic location: 18q21.31.
Variant type: single nucleotide variant.
Coding change: c.922G>A on transcript NM_001374385.1 (MANE Select); coding-DNA position 922, G replaced by A.
Protein change: p.Gly308Ser; replaces glycine 308 with serine.
Molecular consequence: missense variant.
Genome position (GRCh38, 1-based): chr18:57,695,189, C>T on the plus strand (G>A on the coding strand, the complement: ATP8B1 is on the minus strand). VCF-style: chr18-57695189-C-T. GRCh37 (hg19) VCF-style: chr18-55362421-C-T.
Other names: c.772G>A, p.Gly258Ser (NM_001374386.1); c.922G>A, p.Gly308Ser (NM_005603.6); short protein forms G258S, G308S.
Identifiers: ClinVar variation 1878254 (VCV001878254.4), dbSNP rs1007521320, ClinGen allele CA300861654.

ClinVar aggregate classification (germline): Pathogenic/Likely pathogenic. Review status: criteria provided, multiple submitters, no conflicts (2 of 4 stars). 3 submissions from 3 submitters: Pathogenic (1); Likely pathogenic (2). Last evaluated 2026-04-14.

Conditions:
Benign recurrent intrahepatic cholestasis type 1. Also called: Mild-to-Moderate ATP8B1 Deficiency (Benign Recurrent Intrahepatic Cholestasis 1 [BRIC1]); SUMMERSKILL SYNDROME. Identifiers: Orphanet 65682, Orphanet 99960, MedGen C4551899, MONDO:0009469, OMIM 243300.
Progressive familial intrahepatic cholestasis (PFIC). Also called: Progressive family intrahepatic cholestasis; Progressive intrahepatic cholestasis. Identifiers: Orphanet 172, MedGen C0268312, MONDO:0015762.
Familial intrahepatic cholestasis. Identifiers: Orphanet 284385, MedGen CN296401, MONDO:0017290.

Allele frequency attached by ClinVar (database versions not stated): gnomAD exomes below 0.00001; gnomAD 0.00001.
gnomAD v4.1: 5 of 1,613,882 alleles (0.00031%); highest among the groups gnomAD compares: East Asian, 0.0022%; no homozygotes.

Submissions (3):

Genomenon, Inc
Classification: Likely pathogenic for Familial intrahepatic cholestasis. Last evaluated: 2026-04-14. Review status: criteria provided, single submitter. Criteria: Genomenon Sequence Variant Interpretation Standards - Updated. Collection method: curation. Allele origin: germline. Affected: yes.
Comment: ATP8B1 p.Gly308Ser (c.922G>A) is a missense variant that changes the amino acid at residue 308 from Glycine to Serine. This variant has been observed in at least one proband with features of ATP8B1-deficiency (PMID:33437900;26858187;26382629). It has been observed in trans with a pathogenic or likely pathogenic variant (PMID:26858187;26382629). At least one functional study has demonstrated a substantial alteration in protein function relative to the wild-type (PMID:33437900). At least one splicing study demonstrated no effect on splicing (PMID:33437900). It is absent or not present at a significant frequency in gnomAD. In silico models predict that this variant is possibly or probably damaging. In conclusion, we classify ATP8B1 p.Gly308Ser (c.922G>A) as a likely pathogenic variant.

Baylor Genetics
Classification: Pathogenic for Benign recurrent intrahepatic cholestasis type 1. Last evaluated: 2024-01-18. Review status: criteria provided, single submitter. Criteria: ACMG Guidelines, 2015. Collection method: clinical testing. Allele origin: unknown.

Women's Health and Genetics/Laboratory Corporation of America, LabCorp
Classification: Likely pathogenic for Progressive familial intrahepatic cholestasis. Last evaluated: 2022-12-08. Review status: criteria provided, single submitter. Criteria: LabCorp Variant Classification Summary - May 2015. Collection method: clinical testing. Allele origin: germline.
Comment: Variant summary: ATP8B1 c.922G>A (p.Gly308Ser) results in a non-conservative amino acid change in the encoded protein sequence. Five of five in-silico tools predict a damaging effect of the variant on protein function. The variant allele was found at a frequency of 8e-06 in 251404 control chromosomes. c.922G>A has been reported in the literature as a biallelic compound heterozygous genotype in at-least two individuals affected with Familial Intrahepatic Cholestasis (example, Togawa_2016, Li_2015, cited in Wang_2020, Mizutani_2021). These data indicate that the variant may be associated with disease. At least one publication reports experimental evidence evaluating an impact on protein function (Mizutani_2021). The most pronounced variant effect results in <10% of normal ATP8B1 function. No clinical diagnostic laboratories have submitted clinical-significance assessments for this variant to ClinVar after 2014. Based on the evidence outlined above, the variant was classified as likely pathogenic.

Literature cited by the submitters: PubMed 33437900 (cited by Genomenon, Inc and Women's Health and Genetics/Laboratory Corporation of America, LabCorp); PubMed 26858187 (cited by Genomenon, Inc and Women's Health and Genetics/Laboratory Corporation of America, LabCorp); PubMed 26382629 (cited by Genomenon, Inc and Women's Health and Genetics/Laboratory Corporation of America, LabCorp); PubMed 31450232 (cited by Women's Health and Genetics/Laboratory Corporation of America, LabCorp).